The following is an entry in ClinVar:

NM_203447.4(DOCK8):c.3936T>G (p.Ile1312Met)

Gene: DOCK8 (dedicator of cytokinesis 8; plus strand). Cytogenetic location: 9p24.3.
Variant type: single nucleotide variant.
Coding change: c.3936T>G on transcript NM_203447.4 (MANE Select); coding-DNA position 3936, T replaced by G.
Protein change: p.Ile1312Met; replaces isoleucine 1312 with methionine.
Molecular consequence: missense variant.
Genome position (GRCh38, 1-based): chr9:420,496, T>G. VCF-style: chr9-420496-T-G. GRCh37 (hg19) VCF-style: chr9-420496-T-G.
Other names: c.3636T>G, p.Ile1212Met (NM_001190458.2); c.3732T>G, p.Ile1244Met (NM_001193536.2); short protein forms I1244M, I1212M, I1312M.
Identifiers: ClinVar variation 1963343 (VCV001963343.3), dbSNP rs746351543, ClinGen allele CA4958875.
Genomic context (GRCh38, chr9:420,496, plus strand): 5'-TACTCGCAACCTCATGATCTGCTTCCTCTGGATCATGAAAAATGCTGATCAGAGCCTCAT[T>G]AGGAAGTGGATTGCTGACCTGCCATCAACGCAGCTCAACAGGATTTTAGATCTACTTTTC-3'
Protein context (NP_982272.2, residues 1302-1322): WIMKNADQSL[Ile1312Met]RKWIADLPST

ClinVar aggregate classification (germline): Uncertain significance (1 of 4 stars; one submission).

Allele frequency attached by ClinVar (database versions not stated): TOPMed below 0.00001; ExAC 0.00001; gnomAD 0.00001.
gnomAD v4.1: 9 of 1,613,970 alleles (0.00056%); highest among the groups gnomAD compares: Middle Eastern, 0.016%; no homozygotes.

Submission:

Labcorp Genetics (formerly Invitae), Labcorp
Classification: Uncertain significance for Combined immunodeficiency due to DOCK8 deficiency. Last evaluated: 2024-05-18. Review status: criteria provided, single submitter. Criteria: Invitae Variant Classification Sherloc (09022015). Collection method: clinical testing. Allele origin: germline.
Comment: This sequence change replaces isoleucine, which is neutral and non-polar, with methionine, which is neutral and non-polar, at codon 1312 of the DOCK8 protein (p.Ile1312Met). This variant is present in population databases (rs746351543, gnomAD 0.0009%). This variant has not been reported in the literature in individuals affected with DOCK8-related conditions. ClinVar contains an entry for this variant (Variation ID: 1963343). Advanced modeling of protein sequence and biophysical properties (such as structural, functional, and spatial information, amino acid conservation, physicochemical variation, residue mobility, and thermodynamic stability) performed at Invitae indicates that this missense variant is not expected to disrupt DOCK8 protein function with a negative predictive value of 80%. In summary, the available evidence is currently insufficient to determine the role of this variant in disease. Therefore, it has been classified as a Variant of Uncertain Significance.